The following is an entry in ClinVar:

NM_000368.5(TSC1):c.2208+2T>A

Gene: TSC1 (TSC complex subunit 1; minus strand). Cytogenetic location: 9q34.13.
Variant type: single nucleotide variant.
Coding change: c.2208+2T>A on transcript NM_000368.5 (MANE Select); the canonical splice donor site of the intron after coding-DNA position 2208, T replaced by A.
Molecular consequence: splice donor variant.
Genome position (GRCh38, 1-based): chr9:132,903,649, A>T on the plus strand (T>A on the coding strand, the complement: TSC1 is on the minus strand). VCF-style: chr9-132903649-A-T. GRCh37 (hg19) VCF-style: chr9-135779036-A-T.
Other names: c.1845+2T>A (NM_001406618.1, NM_001406617.1, NM_001406619.1 and 5 more transcripts); c.1842+2T>A (NM_001406625.1, NM_001406621.1, NM_001406622.1 and 2 more transcripts); c.2052+2T>A (NM_001406613.1, NM_001406612.1, NM_001406611.1); c.2055+2T>A (NM_001406610.1, NM_001162427.2); c.1254+2T>A (NM_001406627.1, NM_001406628.1); c.1155+2T>A (NM_001406629.1, NM_001406630.1); c.2190+2T>A (NM_001406603.1, NM_001406604.1); c.2205+2T>A (NM_001406609.1, NM_001406597.1, NM_001406600.1 and 4 more transcripts); and 3 more.
Identifiers: ClinVar variation 419826 (VCV000419826.12), dbSNP rs1064794132, ClinGen allele CA16618767.

ClinVar aggregate classification (germline): Pathogenic/Likely pathogenic. Review status: criteria provided, multiple submitters, no conflicts (2 of 4 stars). 7 submissions from 6 submitters: Pathogenic (3); Likely pathogenic (4). Last evaluated 2024-04-12.

Conditions:
Isolated focal cortical dysplasia type II (FCORD2). Also called: Focal cortical dysplasia type II; CORTICAL DYSPLASIA OF TAYLOR. Identifiers: Orphanet 268994, MedGen C1846385, MONDO:0011818, OMIM 607341, HP:0032051.
Hereditary cancer-predisposing syndrome. Also called: Hereditary neoplastic syndrome; Hereditary Cancer Syndrome; Neoplastic Syndromes, Hereditary; Tumor predisposition. Identifiers: Orphanet 140162, MedGen C0027672, MeSH D009386, MONDO:0015356.
Tuberous sclerosis syndrome (TSC). Also called: Tuberous sclerosis; Tuberous Sclerosis Complex. Identifiers: Orphanet 805, MedGen C0041341, MONDO:0001734.
Tuberous sclerosis 1 (TSC1). Identifiers: Orphanet 805, MedGen C1854465, MONDO:0008612, OMIM 191100.

Submissions (7):

Myriad Genetics, Inc.
Classification: Likely pathogenic for Tuberous sclerosis 1. Last evaluated: 2024-04-12. Review status: criteria provided, single submitter. Criteria: Myriad Autosomal Dominant, Autosomal Recessive and X-Linked Classification Criteria (2023). Collection method: clinical testing. Allele origin: unknown.
Comment: This variant is considered likely pathogenic. This variant occurs within a consensus splice junction and is predicted to result in abnormal mRNA splicing of either an out-of-frame exon or an in-frame exon necessary for protein stability and/or normal function.

Baylor Genetics
Classification: Likely pathogenic for Isolated focal cortical dysplasia type II. Last evaluated: 2024-01-16. Review status: criteria provided, single submitter. Criteria: ACMG Guidelines, 2015. Collection method: clinical testing. Allele origin: unknown.

Genome-Nilou Lab
Classification: Pathogenic for Tuberous sclerosis 1. Last evaluated: 2021-11-07. Review status: criteria provided, single submitter. Criteria: ACMG Guidelines, 2015. Collection method: clinical testing. Allele origin: germline. Affected: no.

Ambry Genetics
Classification: Pathogenic for Hereditary cancer-predisposing syndrome. Last evaluated: 2018-10-12. Review status: criteria provided, single submitter. Criteria: Ambry Variant Classification Scheme 2023. Collection method: clinical testing. Allele origin: germline.
Comment: The c.2208+2T>A intronic pathogenic mutation results from a T to A substitution two nucleotides after coding exon 15 in the TSC1 gene. This nucleotide position is well conserved in available vertebrate species. Using the BDGP and ESEfinder splice site prediction tools, this alteration is predicted to abolish the native splice donor site. RNA studies have demonstrated this alteration results in abnormal splicing in the set of samples tested (Ambry internal data). Alterations that disrupt the canonical splice site are expected to cause aberrant splicing, resulting in an abnormal protein or a transcript that is subject to nonsense-mediated mRNA decay. Based on the supporting evidence, this alteration is interpreted as a disease-causing mutation.

Baylor Genetics
Classification: Likely pathogenic for Tuberous sclerosis 1. Last evaluated: 2018-04-03. Review status: criteria provided, single submitter. Criteria: ACMG Guidelines, 2015. Collection method: clinical testing. Allele origin: paternal. Affected: yes.
Comment: This variant was determined to be likely pathogenic according to ACMG Guidelines, 2015 [PMID:25741868].

Women's Health and Genetics/Laboratory Corporation of America, LabCorp
Classification: Likely pathogenic for Tuberous sclerosis syndrome. Last evaluated: 2018-03-06. Review status: criteria provided, single submitter. Criteria: LabCorp Variant Classification Summary - May 2015. Collection method: clinical testing. Allele origin: germline.
Comment: Variant summary: TSC1 c.2208+2T>A is located in a canonical splice-site and is predicted to affect mRNA splicing resulting in a significantly altered protein due to either exon skipping, shortening, or inclusion of intronic material. Several computational tools predict a significant impact on normal splicing: Five predict the variant abolishes a 5' splicing donor site. However, these predictions have yet to be confirmed by functional studies. The variant allele was absent in 245912 control chromosomes. To our knowledge, no occurrence of c.2208+2T>A in individuals affected with Tuberous Sclerosis Complex and no experimental evidence demonstrating its impact on protein function have been reported. Two clinical diagnostic laboratories have submitted clinical-significance assessments for this variant to ClinVar after 2014 without evidence for independent evaluation, and both classified the variant as pathogenic/likely pathogenic. Based on the evidence outlined above, the variant was classified as likely pathogenic.

GeneDx
Classification: Pathogenic. Last evaluated: 2015-09-16. Review status: criteria provided, single submitter. Criteria: GeneDx Variant Classification (06012015). Collection method: clinical testing. Allele origin: germline. Affected: yes.
Comment: The c.2208+2T>A variant in the TSC1 gene has not been reported previously as a pathogenic variant nor as a benign polymorphism, to our knowledge. This splice site variant destroys the canonical splice donor site in intron 17. It is predicted to cause abnormal gene splicing, either leading to an abnormal message that is subject to nonsense-mediated mRNA decay, or to an abnormal protein product if the message is used for protein translation. The c.2208+2T>A variant was not observed in approximately 6,500 individuals of European and African American ancestry in the NHLBI Exome Sequencing Project, indicating it is not a common benign variant in these populations. We interpret c.2208+2T>A as a pathogenic variant.